The following is an entry in ClinVar:

NM_005027.4(PIK3R2):c.1124A>G (p.Asn375Ser)

Gene: PIK3R2 (phosphoinositide-3-kinase regulatory subunit 2; plus strand). Cytogenetic location: 19p13.11.
Variant type: single nucleotide variant.
Coding change: c.1124A>G on transcript NM_005027.4 (MANE Select); coding-DNA position 1124, A replaced by G.
Protein change: p.Asn375Ser; replaces asparagine 375 with serine.
Molecular consequence: missense variant. On other transcripts: non-coding transcript variant (2).
Genome position (GRCh38, 1-based): chr19:18,162,981, A>G. VCF-style: chr19-18162981-A-G. GRCh37 (hg19) VCF-style: chr19-18273791-A-G.
Other names: c.1124A>G, p.Asn375Ser (LRG_1392t1); short protein forms N375S.
Identifiers: ClinVar variation 663183 (VCV000663183.8), dbSNP rs1421203694, ClinGen allele CA404807963.

ClinVar aggregate classification (germline): Uncertain significance (1 of 4 stars; one submission).

Conditions:
Megalencephaly-polymicrogyria-postaxial polydactyly-hydrocephalus syndrome. Also called: MEG-PMG-MEGACC SYNDROME; MPPH Syndrome. Identifiers: Orphanet 83473, MedGen C1863924, MONDO:0019375.

Allele frequency attached by ClinVar (database versions not stated): gnomAD exomes below 0.00001; TOPMed below 0.00001.

Submission:

Labcorp Genetics (formerly Invitae), Labcorp
Classification: Uncertain significance for Megalencephaly-polymicrogyria-postaxial polydactyly-hydrocephalus syndrome. Last evaluated: 2022-12-02. Review status: criteria provided, single submitter. Criteria: Invitae Variant Classification Sherloc (09022015). Collection method: clinical testing. Allele origin: germline.
Comment: This variant has not been reported in the literature in individuals affected with PIK3R2-related conditions. In summary, the available evidence is currently insufficient to determine the role of this variant in disease. Therefore, it has been classified as a Variant of Uncertain Significance. Advanced modeling of protein sequence and biophysical properties (such as structural, functional, and spatial information, amino acid conservation, physicochemical variation, residue mobility, and thermodynamic stability) performed at Invitae indicates that this missense variant is expected to disrupt PIK3R2 protein function. ClinVar contains an entry for this variant (Variation ID: 663183). This variant is present in population databases (no rsID available, gnomAD 0.006%). This sequence change replaces asparagine, which is neutral and polar, with serine, which is neutral and polar, at codon 375 of the PIK3R2 protein (p.Asn375Ser).